The following is an entry in ClinVar:

ClinVar aggregate classification (germline): Benign. Review status: criteria provided, single submitter (1 of 4 stars). 2 submissions from 1 submitter: Benign (2). Last evaluated 2018-01-12.

Conditions:
Tuberous sclerosis 1 (TSC1). Identifiers: Orphanet 805, MedGen C1854465, MONDO:0008612, OMIM 191100.
Isolated focal cortical dysplasia type II (FCORD2). Also called: CORTICAL DYSPLASIA OF TAYLOR; Focal cortical dysplasia type II. Identifiers: Orphanet 268994, MedGen C1846385, MONDO:0011818, OMIM 607341, HP:0032051.

Allele frequency attached by ClinVar (database versions not stated): gnomAD exomes 0.00488; gnomAD 0.02417 and 0.02571; 1000 Genomes Project 0.02716; TOPMed 0.02783; 1000 Genomes Project 30x 0.02904.
gnomAD v4.1: 4,064 of 233,202 alleles (1.7%); highest among the groups gnomAD compares: African/African-American, 8.3%; 161 homozygotes.

Submissions (2):

Illumina Laboratory Services, Illumina
Classification: Benign for Tuberous sclerosis 1. Last evaluated: 2018-01-12. Review status: criteria provided, single submitter. Criteria: ICSL Variant Classification Criteria 13 December 2019. Collection method: clinical testing. Allele origin: germline.
Comment: This variant was observed in the ICSL laboratory as part of a predisposition screen in an ostensibly healthy population. It had not been previously curated by ICSL or reported in the Human Gene Mutation Database (HGMD: prior to June 1st, 2018), and was therefore a candidate for classification through an automated scoring system. Utilizing variant allele frequency, disease prevalence and penetrance estimates, and inheritance mode, an automated score was calculated to assess if this variant is too frequent to cause the disease. Based on the score and internal cut-off values, a variant classified as benign is not then subjected to further curation. The score for this variant resulted in a classification of benign for this disease.

Illumina Laboratory Services, Illumina
Classification: Benign for Isolated focal cortical dysplasia type II. Last evaluated: 2018-01-12. Review status: criteria provided, single submitter. Criteria: ICSL Variant Classification Criteria 13 December 2019. Collection method: clinical testing. Allele origin: germline.
Comment: the same text as in the submission from Illumina Laboratory Services, Illumina above.

NM_000368.5(TSC1):c.*2558A>G

Gene: TSC1 (TSC complex subunit 1; minus strand). Cytogenetic location: 9q34.13.
Variant type: single nucleotide variant.
Coding change: c.*2558A>G on transcript NM_000368.5 (MANE Select); 2558 bases downstream of the stop codon, A replaced by G.
Molecular consequence: 3 prime UTR variant.
Genome position (GRCh38, 1-based): chr9:132,893,677, T>C on the plus strand (A>G on the coding strand, the complement: TSC1 is on the minus strand). VCF-style: chr9-132893677-T-C. GRCh37 (hg19) VCF-style: chr9-135769064-T-C.
Other names: c.*2558A>G (NM_001162426.2, NM_001162427.2, NM_001362177.2).
Identifiers: ClinVar variation 365450 (VCV000365450.5), dbSNP rs115516164, ClinGen allele CA10626694.
Genomic context (GRCh38, chr9:132,893,677, plus strand): 5'-TTAGTGTCAGGTGGGGATCCGAGTAGGTTATGCACATTGGCCAAACAGCTGAGACAGGTA[T>C]GCTCACCCATAGTGATTTCTGGATGGAGGCCATCCAATCCCAATATTTATGAATACCAAG-3'